The following is an entry in ClinVar:

ClinVar aggregate classification (germline): Uncertain significance. Review status: criteria provided, multiple submitters, no conflicts (2 of 4 stars). 5 submissions from 5 submitters: Uncertain significance (5). Last evaluated 2026-02-05.

Conditions:
TEK-related disorder. Also called: TEK-related condition.
Multiple cutaneous and mucosal venous malformations (VMCM). Also called: TEK-Related Multiple Cutaneous and Mucosal Venous Malformations (VMCM). Identifiers: Orphanet 2451, MedGen C1838437, MONDO:0010842, OMIM 600195.
Inborn genetic diseases. Identifiers: MedGen C0950123, MeSH D030342.

Allele frequency attached by ClinVar (database versions not stated): gnomAD 0.00007 and 0.00008; TOPMed 0.00008.
gnomAD v4.1: 96 of 1,613,794 alleles (0.0059%); highest among the groups gnomAD compares: African/African-American, 0.0093%; no homozygotes.

Submissions (5):

PreventionGenetics, part of Exact Sciences
Classification: Uncertain significance for TEK-related condition. Last evaluated: 2026-02-05. Review status: criteria provided, single submitter. Criteria: ACMG Guidelines, 2015. Collection method: clinical testing. Allele origin: germline.
Comment: The TEK c.2227G>A variant is predicted to result in the amino acid substitution p.Gly743Arg. To our knowledge, this variant has not been reported in the literature. This variant is reported in 0.0054% of alleles in individuals of European (Non-Finnish) descent in gnomAD. Alternative variant at the same codon (p.Gly743Ala) has been reported in individuals with congenital glaucoma (Kabra et al. 2017. PubMed ID: 28620713; Stingl et al. 2021. PubMed ID: 35011756). At this time, the clinical significance of this variant is uncertain due to the absence of conclusive functional and genetic evidence.

Labcorp Genetics (formerly Invitae), Labcorp
Classification: Uncertain significance. Last evaluated: 2025-12-23. Review status: criteria provided, single submitter. Criteria: Invitae Variant Classification Sherloc (09022015). Collection method: clinical testing. Allele origin: germline.
Comment: This sequence change replaces glycine, which is neutral and non-polar, with arginine, which is basic and polar, at codon 743 of the TEK protein (p.Gly743Arg). The frequency data for this variant in the population databases is considered unreliable, as metrics indicate poor data quality at this position in the gnomAD database. This variant has not been reported in the literature in individuals affected with TEK-related conditions. ClinVar contains an entry for this variant (Variation ID: 912821). Invitae Evidence Modeling of protein sequence and biophysical properties (such as structural, functional, and spatial information, amino acid conservation, physicochemical variation, residue mobility, and thermodynamic stability) indicates that this missense variant is not expected to disrupt TEK protein function with a negative predictive value of 80%. In summary, the available evidence is currently insufficient to determine the role of this variant in disease. Therefore, it has been classified as a Variant of Uncertain Significance.

Ambry Genetics
Classification: Uncertain significance for Inborn genetic diseases. Last evaluated: 2025-05-20. Review status: criteria provided, single submitter. Criteria: Ambry Variant Classification Scheme 2023. Collection method: clinical testing. Allele origin: germline.

Mayo Clinic Laboratories, Mayo Clinic
Classification: Uncertain significance. Last evaluated: 2023-12-19. Review status: criteria provided, single submitter. Criteria: ACMG Guidelines, 2015. Collection method: clinical testing. Allele origin: germline. Observed: 1 variant allele.
Comment: BS1

Illumina Laboratory Services, Illumina
Classification: Uncertain significance for Multiple cutaneous and mucosal venous malformations. Last evaluated: 2018-01-13. Review status: criteria provided, single submitter. Criteria: ICSL Variant Classification Criteria 13 December 2019. Collection method: clinical testing. Allele origin: germline.

NM_000459.5(TEK):c.2227G>A (p.Gly743Arg)

Gene: TEK (TEK receptor tyrosine kinase; plus strand). Cytogenetic location: 9p21.2.
Variant type: single nucleotide variant.
Coding change: c.2227G>A on transcript NM_000459.5 (MANE Select); coding-DNA position 2227, G replaced by A.
Protein change: p.Gly743Arg; replaces glycine 743 with arginine.
Molecular consequence: missense variant.
Genome position (GRCh38, 1-based): chr9:27,204,928, G>A. VCF-style: chr9-27204928-G-A. GRCh37 (hg19) VCF-style: chr9-27204926-G-A.
Other names: p.Gly743Arg; c.2098G>A, p.Gly700Arg (NM_001290077.2, NM_001375476.1); c.1786G>A, p.Gly596Arg (NM_001290078.2); c.2227G>A, p.Gly743Arg (NM_001375475.1); c.2227G>A (NM_000459.4); short protein forms G596R, G700R, G743R.
Identifiers: ClinVar variation 912821 (VCV000912821.10), dbSNP rs767813511, ClinGen allele CA5016447.